The following is an entry in ClinVar:

ClinVar aggregate classification (germline): Benign/Likely benign. Review status: criteria provided, multiple submitters, no conflicts (2 of 4 stars). 3 submissions from 3 submitters: Benign (1); Likely benign (2). Last evaluated 2026-06-12.

Conditions:
Inborn genetic diseases. Identifiers: MedGen C0950123, MeSH D030342.

Allele frequency attached by ClinVar (database versions not stated): gnomAD 0.00001; TOPMed 0.00001; ExAC 0.00001; gnomAD exomes 0.00001.
gnomAD v4.1: 9 of 1,614,038 alleles (0.00056%); highest among the groups gnomAD compares: Admixed American, 0.013%; no homozygotes.

Submissions (3):

Women's Health and Genetics/Laboratory Corporation of America, LabCorp
Classification: Likely benign. Last evaluated: 2026-06-12. Review status: criteria provided, single submitter. Criteria: LabCorp Variant Classification Summary - May 2015. Collection method: clinical testing. Allele origin: germline.
Comment: Variant summary: NSD1 c.1467G>C (p.Glu489Asp) results in a conservative amino acid change in the encoded protein sequence. Algorithms developed to predict the effect of missense changes on protein structure and function all suggest that this variant is likely to be tolerated. The variant allele was found at a frequency of 2.4e-05 in 251236 control chromosomes (gnomAD). To our knowledge, no occurrence of c.1467G>C in individuals affected with NSD1-related conditions and no experimental evidence demonstrating its impact on protein function have been reported. ClinVar contains an entry for this variant (Variation ID: 2418744). Based on the evidence outlined above, the variant was classified as likely benign.

Labcorp Genetics (formerly Invitae), Labcorp
Classification: Benign. Last evaluated: 2025-10-15. Review status: criteria provided, single submitter. Criteria: Invitae Variant Classification Sherloc (09022015). Collection method: clinical testing. Allele origin: germline.

Ambry Genetics
Classification: Likely benign for Inborn genetic diseases. Last evaluated: 2025-08-14. Review status: criteria provided, single submitter. Criteria: Ambry Variant Classification Scheme 2023. Collection method: clinical testing. Allele origin: germline.

NM_022455.5(NSD1):c.1467G>C (p.Glu489Asp)

Gene: NSD1 (nuclear receptor binding SET domain protein 1; plus strand). Cytogenetic location: 5q35.3.
Variant type: single nucleotide variant.
Coding change: c.1467G>C on transcript NM_022455.5 (MANE Select); coding-DNA position 1467, G replaced by C.
Protein change: p.Glu489Asp; replaces glutamic acid 489 with aspartic acid.
Molecular consequence: missense variant.
Genome position (GRCh38, 1-based): chr5:177,209,866, G>C. VCF-style: chr5-177209866-G-C. GRCh37 (hg19) VCF-style: chr5-176636867-G-C.
Other names: c.594G>C, p.Glu198Asp (NM_001365684.2, NM_001409306.1, NM_001409307.1 and 3 more transcripts); c.1467G>C, p.Glu489Asp (NM_001409301.1, NM_001409302.1, NM_001409303.1); c.1047G>C, p.Glu349Asp (NM_001409304.1); c.714G>C, p.Glu238Asp (NM_001409305.1); short protein forms E198D, E220D, E238D, E349D, E489D.
Identifiers: ClinVar variation 2418744 (VCV002418744.9), dbSNP rs151258879, ClinGen allele CA3577096.